The following is an entry in ClinVar:

ClinVar aggregate classification (germline): Uncertain significance. Review status: criteria provided, multiple submitters, no conflicts (2 of 4 stars). 2 submissions from 2 submitters: Uncertain significance (2). Last evaluated 2025-01-02.

Allele frequency attached by ClinVar (database versions not stated): TOPMed 0.00003; gnomAD 0.00004; ExAC 0.00005.
gnomAD v4.1: 178 of 1,585,064 alleles (0.011%); highest among the groups gnomAD compares: Non-Finnish European, 0.013%; no homozygotes.

Submissions (2):

Labcorp Genetics (formerly Invitae), Labcorp
Classification: Uncertain significance. Last evaluated: 2025-01-02. Review status: criteria provided, single submitter. Criteria: Invitae Variant Classification Sherloc (09022015). Collection method: clinical testing. Allele origin: germline.
Comment: This sequence change replaces serine, which is neutral and polar, with leucine, which is neutral and non-polar, at codon 1106 of the TNS2 protein (p.Ser1106Leu). This variant is present in population databases (rs766000141, gnomAD 0.01%). This variant has not been reported in the literature in individuals affected with TNS2-related conditions. ClinVar contains an entry for this variant (Variation ID: 1973007). An algorithm developed to predict the effect of missense changes on protein structure and function (PolyPhen-2) suggests that this variant is likely to be tolerated. In summary, the available evidence is currently insufficient to determine the role of this variant in disease. Therefore, it has been classified as a Variant of Uncertain Significance.

Ambry Genetics
Classification: Uncertain significance. Last evaluated: 2023-06-29. Review status: criteria provided, single submitter. Criteria: Ambry Variant Classification Scheme 2023. Collection method: clinical testing. Allele origin: germline.

NM_170754.4(TNS2):c.3287C>T (p.Ser1096Leu)

Gene: TNS2 (tensin 2; plus strand). Cytogenetic location: 12q13.13.
Variant type: single nucleotide variant.
Coding change: c.3287C>T on transcript NM_170754.4 (MANE Select); coding-DNA position 3287, C replaced by T.
Protein change: p.Ser1096Leu; replaces serine 1096 with leucine.
Molecular consequence: missense variant.
Genome position (GRCh38, 1-based): chr12:53,061,193, C>T. VCF-style: chr12-53061193-C-T. GRCh37 (hg19) VCF-style: chr12-53454977-C-T.
Other names: c.3287C>T, p.Ser1096Leu (NM_001416202.1); c.3245C>T, p.Ser1082Leu (NM_001416203.1); c.3314C>T, p.Ser1105Leu (NM_001416204.1); c.3218C>T, p.Ser1073Leu (NM_015319.3); c.2915C>T, p.Ser972Leu (NM_198316.2); short protein forms S1106L, S1096L, S972L, S1073L, S1082L, S1105L.
Identifiers: ClinVar variation 1973007 (VCV001973007.7), dbSNP rs766000141, ClinGen allele CA6592802.